The following is an entry in ClinVar:

ClinVar aggregate classification (germline): Uncertain significance. Review status: criteria provided, multiple submitters, no conflicts (2 of 4 stars). 2 submissions from 2 submitters: Uncertain significance (2). Last evaluated 2024-05-10.

Conditions:
Christianson syndrome (MRXSCH). Also called: X-linked mental retardation, syndromic, Christianson type; INTELLECTUAL DEVELOPMENTAL DISORDER, X-LINKED, SYNDROMIC, CHRISTIANSON TYPE; SLC9A6-Related Syndromic Mental Retardation. Identifiers: Orphanet 85278, MedGen C2678194, MONDO:0010278, OMIM 300243.

Submissions (2):

Fulgent Genetics
Classification: Uncertain significance for Christianson syndrome. Last evaluated: 2024-05-10. Review status: criteria provided, single submitter. Criteria: ACMG Guidelines, 2015. Collection method: clinical testing. Allele origin: germline.

GeneDx
Classification: Uncertain significance. Last evaluated: 2023-08-02. Review status: criteria provided, single submitter. Criteria: GeneDx Variant Classification Process June 2021. Collection method: clinical testing. Allele origin: germline.
Comment: Not observed at significant frequency in large population cohorts (gnomAD); In silico analysis supports that this missense variant has a deleterious effect on protein structure/function; Has not been previously published as pathogenic or benign to our knowledge

NM_001379110.1(SLC9A6):c.1378A>G (p.Ser460Gly)

Gene: SLC9A6 (solute carrier family 9 member A6; plus strand). Cytogenetic location: Xq26.3.
Variant type: single nucleotide variant.
Coding change: c.1378A>G on transcript NM_001379110.1 (MANE Select); coding-DNA position 1378, A replaced by G.
Protein change: p.Ser460Gly; replaces serine 460 with glycine.
Molecular consequence: missense variant.
Genome position (GRCh38, 1-based): chrX:136,024,401, A>G. VCF-style: chrX-136024401-A-G. GRCh37 (hg19) VCF-style: chrX-135106560-A-G.
Other names: c.1534A>G, p.Ser512Gly (NM_001042537.2); c.1378A>G, p.Ser460Gly (NM_001177651.2, NM_001400909.1, NM_001400910.1 and 2 more transcripts); c.1282A>G, p.Ser428Gly (NM_001330652.2, NM_001400913.1); c.1438A>G, p.Ser480Gly (NM_006359.3); short protein forms S428G, S460G, S480G, S512G.
Identifiers: ClinVar variation 2504678 (VCV002504678.3), dbSNP rs2521382855, ClinGen allele CA414754605.